The following is an entry in ClinVar:

ClinVar aggregate classification (germline): Conflicting classifications of pathogenicity. Review status: criteria provided, conflicting classifications (1 of 4 stars). 3 submissions from 3 submitters: Uncertain significance (1); Likely benign (1). 1 of the submissions does not count toward it. Last evaluated 2025-11-01.

Conditions:
KANK1-related disorder. Also called: KANK1-related condition.

Allele frequency attached by ClinVar (database versions not stated): gnomAD 0.00015; TOPMed 0.00015; ExAC 0.00037; 1000 Genomes Project 0.00060; 1000 Genomes Project 30x 0.00078.
gnomAD v4.1: 130 of 1,614,086 alleles (0.0081%); highest among the groups gnomAD compares: East Asian, 0.23%; no homozygotes.

Submissions (3):

CeGaT Center for Human Genetics Tuebingen
Classification: Uncertain significance. Last evaluated: 2025-11-01. Review status: criteria provided, single submitter. Criteria: CeGaT Center For Human Genetics Tuebingen Variant Classification Criteria Version 2. Collection method: clinical testing. Allele origin: germline. Affected: yes. Observed: 1 variant allele.
Comment: KANK1: PM2, BP4

Labcorp Genetics (formerly Invitae), Labcorp
Classification: Likely benign. Last evaluated: 2025-02-19. Review status: criteria provided, single submitter. Criteria: Invitae Variant Classification Sherloc (09022015). Collection method: clinical testing. Allele origin: germline.

PreventionGenetics, part of Exact Sciences
Classification: Likely benign for KANK1-related condition. Last evaluated: 2021-04-28. Review status: no assertion criteria provided. Collection method: clinical testing. Allele origin: germline. Not counted in ClinVar's aggregate classification.
Comment: This variant is classified as likely benign based on ACMG/AMP sequence variant interpretation guidelines (Richards et al. 2015 PMID: 25741868, with internal and published modifications).

NM_015158.5(KANK1):c.1915G>A (p.Val639Ile)

Gene: KANK1 (KN motif and ankyrin repeat domains 1; plus strand). Cytogenetic location: 9p24.3.
Variant type: single nucleotide variant.
Coding change: c.1915G>A on transcript NM_015158.5 (MANE Select); coding-DNA position 1915, G replaced by A.
Protein change: p.Val639Ile; replaces valine 639 with isoleucine.
Molecular consequence: missense variant. On other transcripts: non-coding transcript variant (1).
Genome position (GRCh38, 1-based): chr9:712,681, G>A. VCF-style: chr9-712681-G-A. GRCh37 (hg19) VCF-style: chr9-712681-G-A.
Other names: c.1441G>A, p.Val481Ile (NM_001354335.2, NM_001354336.2, NM_001354337.2 and 9 more transcripts); c.1915G>A, p.Val639Ile (NM_001256876.3, NM_001256877.3, NM_001354331.2 and 2 more transcripts); short protein forms V481I, V639I.
Identifiers: ClinVar variation 3046080 (VCV003046080.9), dbSNP rs114440343, ClinGen allele CA4960364.